The following is an entry in ClinVar:

ClinVar aggregate classification (germline): Benign. Review status: criteria provided, multiple submitters, no conflicts (2 of 4 stars). 3 submissions from 3 submitters: Benign (3). Last evaluated 2019-12-31.

Conditions:
Hereditary factor X deficiency disease. Also called: Congenital factor X deficiency; STUART-PROWER FACTOR DEFICIENCY. Identifiers: Orphanet 328, MedGen C0272327, MONDO:0009212, OMIM 227600.

Allele frequency attached by ClinVar (database versions not stated): ExAC 0.00764; gnomAD 0.02529 and 0.02730; TOPMed 0.02807; ESP Exome Variant Server 0.02937; 1000 Genomes Project 0.02955; 1000 Genomes Project 30x 0.03186.

Submissions (3):

Labcorp Genetics (formerly Invitae), Labcorp
Classification: Benign. Last evaluated: 2019-12-31. Review status: criteria provided, single submitter. Criteria: Invitae Variant Classification Sherloc (09022015). Collection method: clinical testing. Allele origin: germline.

Illumina Laboratory Services, Illumina
Classification: Benign for Hereditary factor X deficiency disease. Last evaluated: 2018-01-13. Review status: criteria provided, single submitter. Criteria: ICSL Variant Classification Criteria 13 December 2019. Collection method: clinical testing. Allele origin: germline.
Comment: This variant was observed in the ICSL laboratory as part of a predisposition screen in an ostensibly healthy population. It had not been previously curated by ICSL or reported in the Human Gene Mutation Database (HGMD: prior to June 1st, 2018), and was therefore a candidate for classification through an automated scoring system. Utilizing variant allele frequency, disease prevalence and penetrance estimates, and inheritance mode, an automated score was calculated to assess if this variant is too frequent to cause the disease. Based on the score and internal cut-off values, a variant classified as benign is not then subjected to further curation. The score for this variant resulted in a classification of benign for this disease.

Breakthrough Genomics
Classification: Benign. Review status: criteria provided, single submitter. Criteria: ACMG Guidelines, 2015. Collection method: not provided. Allele origin: germline. Inheritance: Autosomal recessive inheritance. Affected: yes.

NM_000504.4(F10):c.574G>A (p.Gly192Arg)

Genes: F10 (coagulation factor X; plus strand), F10-AS2 (F10 antisense RNA 2; minus strand). Cytogenetic location: 13q34.
Variant type: single nucleotide variant.
Coding change: c.574G>A on transcript NM_000504.4 (MANE Select); coding-DNA position 574, G replaced by A.
Protein change: p.Gly192Arg; replaces glycine 192 with arginine.
Molecular consequence: missense variant.
Genome position (GRCh38, 1-based): chr13:113,143,922, G>A. VCF-style: chr13-113143922-G-A. GRCh37 (hg19) VCF-style: chr13-113798236-G-A.
Other names: c.574G>A (LRG_548t1); c.442G>A, p.Gly148Arg (NM_001312674.2); c.574G>A, p.Gly192Arg (NM_001312675.2); short protein forms G192R, G148R.
Identifiers: ClinVar variation 311275 (VCV000311275.10), dbSNP rs3211783, ClinGen allele CA7060524.
Genomic context (GRCh38, chr13:113,143,922, plus strand): 5'-TGTGGGAAACAGACCCTGGAACGCAGGAAGAGGTCAGTGGCCCAGGCCACCAGCAGCAGC[G>A]GGGAGGCCCCTGACAGCATCACATGGAAGCCATATGATGCAGCCGACCTGGACCCCACCG-3'
Protein context (NP_000495.1, residues 182-202): RSVAQATSSS[Gly192Arg]EAPDSITWKP